The following is an entry in ClinVar:

ClinVar aggregate classification (germline): Likely pathogenic (1 of 4 stars; one submission).

Conditions:
Tay-Sachs disease (TSD). Also called: HEXA DEFICIENCY; GM2 gangliosidosis, type 1; Hexosaminidase alpha-subunit deficiency (variant B); Sphingolipidosis, Tay-Sachs; HEXA Disorders; Hexosaminidase A Deficiency. Identifiers: Orphanet 845, MedGen C0039373, MONDO:0010100, OMIM 272800.

Submission:

Natera, Inc.
Classification: Likely pathogenic for Tay-Sachs disease. Last evaluated: 2025-03-31. Review status: criteria provided, single submitter. Criteria: Natera Variant Classification Schema (03/2026). Collection method: clinical testing. Allele origin: germline.
Comment: The c.1333del variant in HEXA is a frameshift variant predicted to shift the reading frame beginning at codon 445 and leads to a stop codon 8 codons downstream. This variant is expected to result in nonsense mediated decay, truncation, or a dysfunctional protein product. This variant is rare in the general population with a frequency below the threshold expected for the associated phenotype(s). Given the available evidence, this variant is classified as Likely Pathogenic.

NM_000520.6(HEXA):c.1333del (p.Thr445fs)

Gene: HEXA (hexosaminidase subunit alpha; minus strand). Cytogenetic location: 15q23.
Variant type: Deletion.
Coding change: c.1333del on transcript NM_000520.6 (MANE Select); coding-DNA position 1333, one base deleted (A; older notation c.1333delA).
Protein change: p.Thr445fs; shifts the reading frame from threonine 445.
Molecular consequence: frameshift variant. On other transcripts: non-coding transcript variant (1).
Genome position (GRCh38, 1-based): chr15:72,346,323, T deleted on the plus strand (A on the coding strand, the reverse complement: HEXA is on the minus strand). VCF-style (leftmost placement, unchanged base first): chr15-72346322-GT-G. GRCh37 (hg19) VCF-style: chr15-72638663-GT-G.
Other names: c.1366del, p.Thr456fs (NM_001318825.2); short protein forms T445fs, T456fs.
Identifiers: ClinVar variation 4069151 (VCV004069151.2).